The following is an entry in ClinVar:

NM_000533.5(PLP1):c.614G>A (p.Arg205Lys)

Genes: PLP1 (proteolipid protein 1; plus strand), RAB9B (RAB9B, member RAS oncogene family; minus strand). Cytogenetic location: Xq22.2.
Variant type: single nucleotide variant.
Coding change: c.614G>A on transcript NM_000533.5 (MANE Select); coding-DNA position 614, G replaced by A.
Protein change: p.Arg205Lys; replaces arginine 205 with lysine.
Molecular consequence: missense variant.
Genome position (GRCh38, 1-based): chrX:103,787,958, G>A. VCF-style: chrX-103787958-G-A. GRCh37 (hg19) VCF-style: chrX-103042887-G-A.
Other names: c.614G>A, p.Arg205Lys (NM_001128834.3); c.449G>A, p.Arg150Lys (NM_001305004.1); c.509G>A, p.Arg170Lys (NM_199478.3); short protein forms R170K, R150K, R205K.
Identifiers: ClinVar variation 1421287 (VCV001421287.8), dbSNP rs2147766283, ClinGen allele CA414104118.

ClinVar aggregate classification (germline): Uncertain significance (1 of 4 stars; one submission).

Conditions:
Hereditary spastic paraplegia 2 (SPG2). Also called: SPASTIC PARAPLEGIA 2, X-LINKED; Spastic Paraplegia 2 (SPG2). Identifiers: Orphanet 99015, MedGen C0751604, MONDO:0010733, OMIM 312920.

Submission:

Labcorp Genetics (formerly Invitae), Labcorp
Classification: Uncertain significance for Hereditary spastic paraplegia 2. Last evaluated: 2021-12-02. Review status: criteria provided, single submitter. Criteria: Invitae Variant Classification Sherloc (09022015). Collection method: clinical testing. Allele origin: germline.
Comment: This sequence change replaces arginine, which is basic and polar, with lysine, which is basic and polar, at codon 205 of the PLP1 protein (p.Arg205Lys). This variant is not present in population databases (gnomAD no frequency). This missense change has been observed in individual(s) with clinical features of hereditary spastic paraplegia (PMID: 29451896). Algorithms developed to predict the effect of missense changes on protein structure and function are either unavailable or do not agree on the potential impact of this missense change (SIFT: "Not Available"; PolyPhen-2: "Probably Damaging"; Align-GVGD: "Not Available"). In summary, the available evidence is currently insufficient to determine the role of this variant in disease. Therefore, it has been classified as a Variant of Uncertain Significance.

Literature cited by the submitters: PubMed 29451896.